The following is an entry in ClinVar:

NM_001165963.4(SCN1A):c.992del (p.Phe330_Leu331insTer)

Gene: SCN1A (sodium voltage-gated channel alpha subunit 1; minus strand). Cytogenetic location: 2q24.3.
Variant type: Deletion.
Coding change: c.992del on transcript NM_001165963.4 (MANE Select); coding-DNA position 992, one base deleted (T; older notation c.992delT).
Protein change: p.Phe330_Leu331insTer.
Molecular consequence: nonsense. On other transcripts: 5 prime UTR variant (1), non-coding transcript variant (1).
Genome position (GRCh38, 1-based): chr2:166,048,922, A deleted on the plus strand (T on the coding strand, the reverse complement: SCN1A is on the minus strand); the first of 6 consecutive A bases (chr2:166,048,922-166,048,927); deleting any one gives the same sequence. VCF-style (leftmost placement, unchanged base first): chr2-166048921-TA-T. GRCh37 (hg19) VCF-style: chr2-166905431-TA-T.
Other names: c.992del, p.Phe330_Leu331insTer (NM_001165964.3, NM_001202435.3, NM_001353948.2 and 10 more transcripts); c.-1434del (NM_001353961.2).
Identifiers: ClinVar variation 2203197 (VCV002203197.4), dbSNP rs863225038, ClinGen allele CA2580064412.

ClinVar aggregate classification (germline): Pathogenic (1 of 4 stars; one submission).

Conditions:
Early-infantile DEE. Also called: Early infantile epileptic encephalopathy with suppression bursts; Early infantile epileptic encephalopathy; Ohtahara syndrome. Identifiers: Orphanet 1934, MedGen C0393706, MONDO:0800491.

Submission:

Labcorp Genetics (formerly Invitae), Labcorp
Classification: Pathogenic for Early-infantile DEE. Last evaluated: 2023-03-08. Review status: criteria provided, single submitter. Criteria: Invitae Variant Classification Sherloc (09022015). Collection method: clinical testing. Allele origin: germline.
Comment: This sequence change creates a premature translational stop signal (p.Leu331*) in the SCN1A gene. It is expected to result in an absent or disrupted protein product. Loss-of-function variants in SCN1A are known to be pathogenic (PMID: 17347258, 18930999). This variant is not present in population databases (gnomAD no frequency). This premature translational stop signal has been observed in individual(s) with Dravet syndrome (PMID: 21719429, 29460957). ClinVar contains an entry for this variant (Variation ID: 2203197). For these reasons, this variant has been classified as Pathogenic.

Literature cited by the submitters: PubMed 17347258; PubMed 18930999; PubMed 21719429; PubMed 29460957.